The following is an entry in ClinVar:

NM_133497.4(KCNV2):c.1372G>A (p.Val458Met)

Gene: KCNV2 (potassium voltage-gated channel modifier subfamily V member 2; plus strand). Cytogenetic location: 9p24.2.
Variant type: single nucleotide variant.
Coding change: c.1372G>A on transcript NM_133497.4 (MANE Select); coding-DNA position 1372, G replaced by A.
Protein change: p.Val458Met; replaces valine 458 with methionine.
Molecular consequence: missense variant.
Genome position (GRCh38, 1-based): chr9:2,729,461, G>A. VCF-style: chr9-2729461-G-A. GRCh37 (hg19) VCF-style: chr9-2729461-G-A.
Other names: short protein forms V458M.
Identifiers: ClinVar variation 1465723 (VCV001465723.6), dbSNP rs374737276, ClinGen allele CA4965903.

ClinVar aggregate classification (germline): Uncertain significance (1 of 4 stars; one submission).

Allele frequency attached by ClinVar (database versions not stated): gnomAD 0.00001; gnomAD exomes 0.00001; ExAC 0.00002; TOPMed 0.00002; ESP Exome Variant Server 0.00008.

Submission:

Labcorp Genetics (formerly Invitae), Labcorp
Classification: Uncertain significance. Last evaluated: 2021-09-25. Review status: criteria provided, single submitter. Criteria: Invitae Variant Classification Sherloc (09022015). Collection method: clinical testing. Allele origin: germline.
Comment: This sequence change replaces valine with methionine at codon 458 of the KCNV2 protein (p.Val458Met). The valine residue is highly conserved and there is a small physicochemical difference between valine and methionine. In summary, the available evidence is currently insufficient to determine the role of this variant in disease. Therefore, it has been classified as a Variant of Uncertain Significance. Advanced modeling of protein sequence and biophysical properties (such as structural, functional, and spatial information, amino acid conservation, physicochemical variation, residue mobility, and thermodynamic stability) performed at Invitae indicates that this missense variant is expected to disrupt KCNV2 protein function. This variant has not been reported in the literature in individuals affected with KCNV2-related conditions. This variant is present in population databases (rs374737276, ExAC 0.01%).